The following is an entry in ClinVar:

NC_000022.10:g.(?_38539092)_(38541680_?)del

Gene: PLA2G6 (phospholipase A2 group VI; minus strand). Cytogenetic location: 22q13.1.
Variant type: Deletion.
Identifiers: ClinVar variation 3247304 (VCV003247304.1).

ClinVar aggregate classification (germline): Pathogenic (1 of 4 stars; one submission).

Conditions:
Infantile neuroaxonal dystrophy (NBIA2A). Also called: NEURODEGENERATION WITH BRAIN IRON ACCUMULATION 2A; SEITELBERGER DISEASE; Infantile neuroaxonal dystrophy 1. Identifiers: Orphanet 35069, MedGen C0270724, MONDO:0024457, OMIM 256600.

Submission:

Labcorp Genetics (formerly Invitae), Labcorp
Classification: Pathogenic for Infantile neuroaxonal dystrophy. Last evaluated: 2022-12-15. Review status: criteria provided, single submitter. Criteria: Invitae Variant Classification Sherloc (09022015). Collection method: clinical testing. Allele origin: unknown.
Comment: This variant has not been reported in the literature in individuals affected with PLA2G6-related conditions. This variant is a gross deletion of the genomic region encompassing exon(s) 3-4 of the PLA2G6 gene. This deletion is out-of-frame, and is expected to create a premature termination codon and result in an absent or disrupted protein product. Loss-of-function variants in PLA2G6 are known to be pathogenic (PMID: 16783378, 18570303, 18799783, 22213678). For these reasons, this variant has been classified as Pathogenic.

Literature cited by the submitters: PubMed 16783378; PubMed 18570303; PubMed 18799783; PubMed 22213678.